The following is an entry in ClinVar:

NM_201548.5(CERKL):c.182T>A (p.Val61Glu)

Genes: CERKL (CERK like autophagy regulator; minus strand), LOC129935214 (ATAC-STARR-seq lymphoblastoid silent region 12157; plus strand). Cytogenetic location: 2q31.3.
Variant type: single nucleotide variant.
Coding change: c.182T>A on transcript NM_201548.5 (MANE Select); coding-DNA position 182, T replaced by A.
Protein change: p.Val61Glu; replaces valine 61 with glutamic acid.
Molecular consequence: missense variant. On other transcripts: non-coding transcript variant (2).
Genome position (GRCh38, 1-based): chr2:181,656,825, A>T on the plus strand (T>A on the coding strand, the complement: CERKL is on the minus strand). VCF-style: chr2-181656825-A-T. GRCh37 (hg19) VCF-style: chr2-182521552-A-T.
Other names: c.182T>A, p.Val61Glu (NM_001030311.3, NM_001030312.3, NM_001030313.3 and 1 more transcripts); short protein forms V61E.
Identifiers: ClinVar variation 1494511 (VCV001494511.11), dbSNP rs1472885040, ClinGen allele CA349744376.

ClinVar aggregate classification (germline): Pathogenic/Likely pathogenic. Review status: criteria provided, multiple submitters, no conflicts (2 of 4 stars). 3 submissions from 3 submitters: Pathogenic (2); Likely pathogenic (1). Last evaluated 2026-03-05.

Conditions:
Retinitis pigmentosa 26 (RP26). Identifiers: Orphanet 791, MedGen C1842127, MONDO:0012024, OMIM 608380.
Retinitis pigmentosa (RP). Identifiers: Orphanet 791, MedGen C0035334, MeSH D012174, MONDO:0019200, OMIM 268000. Inheritance: Autosomal dominant, autosomal recessive and X linked inheritance.

Allele frequency attached by ClinVar (database versions not stated): gnomAD exomes below 0.00001; TOPMed below 0.00001.
gnomAD v4.1: 3 of 1,599,922 alleles (0.00019%); highest among the groups gnomAD compares: Admixed American, 0.0034%; no homozygotes.

Submissions (3):

Mendelics
Classification: Pathogenic for Retinitis pigmentosa 26. Last evaluated: 2026-03-05. Review status: criteria provided, single submitter. Criteria: ACMG Guidelines, 2015. Collection method: clinical testing. Allele origin: unknown.
Comment: Likely pathogenic/Pathogenic according to ACMG criteria.

Women's Health and Genetics/Laboratory Corporation of America, LabCorp
Classification: Likely pathogenic for Retinitis pigmentosa. Last evaluated: 2025-10-07. Review status: criteria provided, single submitter. Criteria: LabCorp Variant Classification Summary - May 2015. Collection method: clinical testing. Allele origin: germline.
Comment: Variant summary: CERKL c.182T>A (p.Val61Glu) results in a non-conservative amino acid change in the encoded protein sequence. Algorithms developed to predict the effect of missense changes on protein structure and function are either unavailable or do not agree on the potential impact of this missense change. The variant allele was found at a frequency of 4.2e-06 in 239904 control chromosomes. c.182T>A has been observed in individuals affected with Retinitis Pigmentosa (Martin-Merida_2019, internal data). These data indicate that the variant is likely to be associated with disease. To our knowledge, no experimental evidence demonstrating an impact on protein function has been reported. The following publication has been ascertained in the context of this evaluation (PMID: 30902645). ClinVar contains an entry for this variant (Variation ID: 1494511). Based on the evidence outlined above, the variant was classified as likely pathogenic.

Labcorp Genetics (formerly Invitae), Labcorp
Classification: Pathogenic. Last evaluated: 2025-01-13. Review status: criteria provided, single submitter. Criteria: Invitae Variant Classification Sherloc (09022015). Collection method: clinical testing. Allele origin: germline.
Comment: This sequence change replaces valine, which is neutral and non-polar, with glutamic acid, which is acidic and polar, at codon 61 of the CERKL protein (p.Val61Glu). This variant is present in population databases (no rsID available, gnomAD 0.003%). This missense change has been observed in individuals with clinical features of inherited retinal dystrophy (PMID: 30902645; internal data). ClinVar contains an entry for this variant (Variation ID: 1494511). Invitae Evidence Modeling of protein sequence and biophysical properties (such as structural, functional, and spatial information, amino acid conservation, physicochemical variation, residue mobility, and thermodynamic stability) indicates that this missense variant is expected to disrupt CERKL protein function with a positive predictive value of 95%. For these reasons, this variant has been classified as Pathogenic.

Literature cited by the submitters: PubMed 30902645 (cited by Women's Health and Genetics/Laboratory Corporation of America, LabCorp and Labcorp Genetics (formerly Invitae), Labcorp).